The following is an entry in ClinVar:

NM_000275.3(OCA2):c.143C>T (p.Ser48Leu)

Gene: OCA2 (OCA2 melanosomal transmembrane protein; minus strand). Cytogenetic location: 15q13.1.
Variant type: single nucleotide variant.
Coding change: c.143C>T on transcript NM_000275.3 (MANE Select); coding-DNA position 143, C replaced by T.
Protein change: p.Ser48Leu; replaces serine 48 with leucine.
Molecular consequence: missense variant.
Genome position (GRCh38, 1-based): chr15:28,081,732, G>A on the plus strand (C>T on the coding strand, the complement: OCA2 is on the minus strand). VCF-style: chr15-28081732-G-A. GRCh37 (hg19) VCF-style: chr15-28326878-G-A.
Other names: c.143C>T, p.Ser48Leu (NM_001300984.2); short protein forms S48L.
Identifiers: ClinVar variation 5003898 (VCV005003898.1).

ClinVar aggregate classification (germline): Uncertain significance (1 of 4 stars; one submission).

Conditions:
Tyrosinase-positive oculocutaneous albinism (OCA2). Also called: Oculocutaneous albinism type 2; Albinism, oculocutaneous, type II; ALBINISM II. Identifiers: Orphanet 79432, MedGen C0268495, MONDO:0008746, OMIM 203200.

gnomAD v4.1: 17 of 1,613,698 alleles (0.0011%); highest among the groups gnomAD compares: African/African-American, 0.0093%; no homozygotes.

Submission:

Myriad Genetics, Inc.
Classification: Uncertain significance for Tyrosinase-positive oculocutaneous albinism. Last evaluated: 2025-08-13. Review status: criteria provided, single submitter. Criteria: Myriad Autosomal Dominant, Autosomal Recessive and X-Linked Classification Criteria (2023). Collection method: clinical testing. Allele origin: unknown.
Comment: NM_000275.2(OCA2):c.143C>T(S48L) is a missense variant classified as a variant of uncertain significance in the context of oculocutaneous albinism, OCA2-related. S48L has not been observed in cases with relevant disease. Relevant functional assessments of this variant are not available in the literature. S48L has been observed in referenced population frequency databases. In summary, there is insufficient evidence to classify NM_000275.2(OCA2):c.143C>T(S48L) as pathogenic or benign. Please note: this variant was assessed in the context of healthy population screening.